The following is an entry in ClinVar:

NM_000059.4(BRCA2):c.875A>C (p.Glu292Ala)

Gene: BRCA2 (BRCA2 DNA repair associated; plus strand). Cytogenetic location: 13q13.1.
Variant type: single nucleotide variant.
Coding change: c.875A>C on transcript NM_000059.4 (MANE Select); coding-DNA position 875, A replaced by C.
Protein change: p.Glu292Ala; replaces glutamic acid 292 with alanine.
Molecular consequence: missense variant.
Genome position (GRCh38, 1-based): chr13:32,332,353, A>C. VCF-style: chr13-32332353-A-C. GRCh37 (hg19) VCF-style: chr13-32906490-A-C.
Other names: short protein forms E292A.
Identifiers: ClinVar variation 663447 (VCV000663447.11), dbSNP rs1593891360, ClinGen allele CA387760609.
Genomic context (GRCh38, chr13:32,332,353, plus strand): 5'-ATTCATTTAAAGTAAATAGCTGCAAAGACCACATTGGAAAGTCAATGCCAAATGTCCTAG[A>C]AGATGAAGTATATGAAACAGTTGTAGATACCTCTGAAGAAGATAGTTTTTCATTATGTTT-3'
Protein context (NP_000050.3, residues 282-302): HIGKSMPNVL[Glu292Ala]DEVYETVVDT

ClinVar aggregate classification (germline): Conflicting classifications of pathogenicity. Review status: criteria provided, conflicting classifications (1 of 4 stars). 3 submissions from 3 submitters: Uncertain significance (2); Likely benign (1). Last evaluated 2025-12-16.

Conditions:
Hereditary breast ovarian cancer syndrome. Also called: Hereditary breast and/or ovarian cancer syndrome; Breast and ovarian cancer; Hereditary breast and ovarian cancer; Hereditary breast and ovarian cancer syndrome (HBOC); Hereditary breast and ovarian cancer syndrome; BRCA1- and BRCA2-Associated Hereditary Breast and Ovarian Cancer. Identifiers: Orphanet 145, MedGen C0677776, MeSH D061325, MONDO:0003582. Disease mechanism: loss of function.
Hereditary cancer-predisposing syndrome. Also called: Neoplastic Syndromes, Hereditary; Hereditary neoplastic syndrome; Tumor predisposition; Hereditary Cancer Syndrome. Identifiers: Orphanet 140162, MedGen C0027672, MeSH D009386, MONDO:0015356.

Submissions (3):

Ambry Genetics
Classification: Uncertain significance for Hereditary cancer-predisposing syndrome. Last evaluated: 2025-12-16. Review status: criteria provided, single submitter. Criteria: Ambry Variant Classification Scheme 2023. Collection method: clinical testing. Allele origin: germline.
Comment: The p.E292A variant (also known as c.875A>C), located in coding exon 9 of the BRCA2 gene, results from an A to C substitution at nucleotide position 875. The glutamic acid at codon 292 is replaced by alanine, an amino acid with dissimilar properties. This amino acid position is not well conserved in available vertebrate species. In addition, this alteration is predicted to be tolerated by in silico analysis. Based on the available evidence, the clinical significance of this variant remains unclear.

Labcorp Genetics (formerly Invitae), Labcorp
Classification: Uncertain significance for Hereditary breast ovarian cancer syndrome. Last evaluated: 2024-04-29. Review status: criteria provided, single submitter. Criteria: Invitae Variant Classification Sherloc (09022015). Collection method: clinical testing. Allele origin: germline.
Comment: This sequence change replaces glutamic acid, which is acidic and polar, with alanine, which is neutral and non-polar, at codon 292 of the BRCA2 protein (p.Glu292Ala). This variant is not present in population databases (gnomAD no frequency). This variant has not been reported in the literature in individuals affected with BRCA2-related conditions. ClinVar contains an entry for this variant (Variation ID: 663447). Advanced modeling of protein sequence and biophysical properties (such as structural, functional, and spatial information, amino acid conservation, physicochemical variation, residue mobility, and thermodynamic stability) performed at Invitae indicates that this missense variant is not expected to disrupt BRCA2 protein function with a negative predictive value of 95%. In summary, the available evidence is currently insufficient to determine the role of this variant in disease. Therefore, it has been classified as a Variant of Uncertain Significance.

University of Washington Department of Laboratory Medicine, University of Washington
Classification: Likely benign for Hereditary cancer-predisposing syndrome. Last evaluated: 2023-03-23. Review status: criteria provided, single submitter. Criteria: Dines et al. (Genet Med. 2020). Collection method: curation. Allele origin: germline.
Comment: Missense variant in a coldspot region where missense variants are very unlikely to be pathogenic (PMID:31911673).

BRCA2 exon 10 coldspot. Reclassification based on statistical prior probability.